The following is an entry in ClinVar:

ClinVar aggregate classification (germline): Conflicting classifications of pathogenicity. Review status: criteria provided, conflicting classifications (1 of 4 stars). 2 submissions from 2 submitters: Likely pathogenic (1); Uncertain significance (1). Last evaluated 2017-03-09.

Conditions:
Familial X-linked hypophosphatemic vitamin D refractory rickets (XLHRD). Also called: X-Linked Hypophosphatemia; Hypophosphatemic Rickets, X-Linked Dominant; HYPOPHOSPHATEMIC VITAMIN D-RESISTANT RICKETS; Hypophosphatemia, vitamin D-resistant rickets; Vitamin D-resistant rickets, X-linked. Identifiers: Orphanet 89936, MedGen C0733682, MONDO:0010619, OMIM 307800.

Submissions (2):

GeneDx
Classification: Likely pathogenic. Last evaluated: 2017-03-09. Review status: criteria provided, single submitter. Criteria: GeneDx Variant Classification (06012015). Collection method: clinical testing. Allele origin: germline. Affected: yes.
Comment: The c.2138delC variant in the PHEX gene causes a frameshift starting with codon Proline 713, changes this amino acid to a Leucine residue and creates a premature Stop codon at position 27 of the new reading frame, denoted p.Pro713LeufsX27. The variant is not observed in large population cohorts (Lek et al., 2016; 1000 Genomes Consortium et al., 2015; Exome Variant Server). This variant is predicted to cause loss of normal protein function through protein truncation; however, only the final 37 amino acids are replaced by 26 incorrect amino acids. The lost residues are not located within a known functional domain, and the protein is not predicted to undergo nonsense mediated decay. In the absence of RNA/functional studies, the actual effect of this sequence change in this individual is unknown. In summary, we consider this variant to be likely pathogenic.

Juno Genomics, Hangzhou Juno Genomics, Inc
Classification: Uncertain significance for Familial X-linked hypophosphatemic vitamin D refractory rickets. Review status: criteria provided, single submitter. Criteria: ACMG Guidelines, 2015. Collection method: clinical testing. Allele origin: germline. Affected: yes.
Comment: Absent from controls (or at extremely low frequency if recessive) in Genome Aggregation Database.;Null variant in a gene where loss of function (LOF) is a known mechanism of disease.;Patient's phenotype or family history is highly specific for a disease with a single genetic etiology.

NM_000444.6(PHEX):c.2138del (p.Pro713fs)

Genes: PHEX (phosphate regulating endopeptidase X-linked; plus strand), PTCHD1-AS (PTCHD1 and PHEX antisense RNA; minus strand). Cytogenetic location: Xp22.11.
Variant type: Deletion.
Coding change: c.2138del on transcript NM_000444.6 (MANE Select); coding-DNA position 2138, one base deleted (C; older notation c.2138delC).
Protein change: p.Pro713fs; shifts the reading frame from proline 713.
Molecular consequence: frameshift variant. On other transcripts: intron variant (1).
Genome position (GRCh38, 1-based): chrX:22,245,400, C deleted; the last of 5 consecutive C bases (chrX:22,245,396-22,245,400); deleting any one gives the same sequence. VCF-style (leftmost placement, unchanged base first): chrX-22245395-TC-T. GRCh37 (hg19) VCF-style: chrX-22263512-TC-T.
Other names: c.2071-2451del (NM_001282754.2); short protein forms P713fs.
Identifiers: ClinVar variation 418408 (VCV000418408.3), dbSNP rs886041375, ClinGen allele CA16621342.